The following is an entry in ClinVar:

ClinVar aggregate classification (germline): Benign. Review status: criteria provided, single submitter (1 of 4 stars). 2 submissions from 2 submitters: Benign (1). 1 of the submissions does not count toward it. Last evaluated 2023-03-27.

Allele frequency attached by ClinVar (database versions not stated): gnomAD 0.00014 and 0.00015; TOPMed 0.00017; ExAC 0.00033; gnomAD exomes 0.00034; 1000 Genomes Project 0.00040; 1000 Genomes Project 30x 0.00047.
gnomAD v4.1: 111 of 1,614,118 alleles (0.0069%); highest among the groups gnomAD compares: East Asian, 0.24%; no homozygotes.

Submissions (2):

Labcorp Genetics (formerly Invitae), Labcorp
Classification: Benign. Last evaluated: 2023-03-27. Review status: criteria provided, single submitter. Criteria: Invitae Variant Classification Sherloc (09022015). Collection method: clinical testing. Allele origin: germline.

ITMI
No classification provided. Condition: AllHighlyPenetrant. Last evaluated: 2013-09-19. Review status: no classification provided. Collection method: reference population. Allele origin: germline. Not counted in ClinVar's aggregate classification.
Comment: Please see associated publication for description of ethnicities

Literature cited by the submitters: PubMed 24728327 (cited by ITMI).

NM_170606.3(KMT2C):c.13246C>T (p.Pro4416Ser)

Gene: KMT2C (lysine methyltransferase 2C; minus strand). Cytogenetic location: 7q36.1.
Variant type: single nucleotide variant.
Coding change: c.13246C>T on transcript NM_170606.3 (MANE Select); coding-DNA position 13246, C replaced by T.
Protein change: p.Pro4416Ser; replaces proline 4416 with serine.
Molecular consequence: missense variant.
Genome position (GRCh38, 1-based): chr7:152,148,681, G>A on the plus strand (C>T on the coding strand, the complement: KMT2C is on the minus strand). VCF-style: chr7-152148681-G-A. GRCh37 (hg19) VCF-style: chr7-151845766-G-A.
Other names: short protein forms P4416S.
Identifiers: ClinVar variation 134814 (VCV000134814.4), dbSNP rs201443050, ClinGen allele CA160797.